The following is an entry in ClinVar:

NM_152443.3(RDH12):c.188G>A (p.Gly63Glu)

Genes: GPHN (gephyrin; plus strand), RDH12 (retinol dehydrogenase 12; plus strand). Cytogenetic location: 14q24.1.
Variant type: single nucleotide variant.
Coding change: c.188G>A on transcript NM_152443.3 (MANE Select); coding-DNA position 188, G replaced by A.
Protein change: p.Gly63Glu; replaces glycine 63 with glutamic acid.
Molecular consequence: missense variant.
Genome position (GRCh38, 1-based): chr14:67,725,099, G>A. VCF-style: chr14-67725099-G-A. GRCh37 (hg19) VCF-style: chr14-68191816-G-A.
Other names: short protein forms G63E.
Identifiers: ClinVar variation 2198538 (VCV002198538.3), dbSNP rs1336266291, ClinGen allele CA390148470.
Genomic context (GRCh38, chr14:67,725,099, plus strand): 5'-CTATACCTCCTTTATAGCCTAGGATATGAACATACTGCTCTTTTTTTGTCTTGGACCCAG[G>A]AGCCCGAGTCTATATTGCCTGCAGAGATGTACTGAAGGGGGAGTCTGCTGCCAGTGAAAT-3'
Protein context (NP_689656.2, residues 53-73): KETARELASR[Gly63Glu]ARVYIACRDV

ClinVar aggregate classification (germline): Uncertain significance. Review status: criteria provided, multiple submitters, no conflicts (2 of 4 stars). 2 submissions from 2 submitters: Uncertain significance (2). Last evaluated 2024-04-18.

Conditions:
Leber congenital amaurosis 13 (LCA13). Identifiers: MedGen C2675186, MONDO:0012990, OMIM 612712.

Allele frequency attached by ClinVar (database versions not stated): gnomAD exomes below 0.00001; gnomAD 0.00001; TOPMed 0.00001.
gnomAD v4.1: 5 of 1,614,036 alleles (0.00031%); highest among the groups gnomAD compares: East Asian, 0.0022%; no homozygotes.

Submissions (2):

Labcorp Genetics (formerly Invitae), Labcorp
Classification: Uncertain significance for Leber congenital amaurosis 13. Last evaluated: 2024-04-18. Review status: criteria provided, single submitter. Criteria: Invitae Variant Classification Sherloc (09022015). Collection method: clinical testing. Allele origin: germline.
Comment: This sequence change replaces glycine, which is neutral and non-polar, with glutamic acid, which is acidic and polar, at codon 63 of the RDH12 protein (p.Gly63Glu). This variant is not present in population databases (gnomAD no frequency). This variant has not been reported in the literature in individuals affected with RDH12-related conditions. ClinVar contains an entry for this variant (Variation ID: 2198538). An algorithm developed to predict the effect of missense changes on protein structure and function (PolyPhen-2) suggests that this variant is likely to be disruptive. Algorithms developed to predict the effect of sequence changes on RNA splicing suggest that this variant may create or strengthen a splice site. In summary, the available evidence is currently insufficient to determine the role of this variant in disease. Therefore, it has been classified as a Variant of Uncertain Significance.

Blueprint Genetics
Classification: Uncertain significance. Last evaluated: 2023-10-24. Review status: criteria provided, single submitter. Criteria: ACMG Guidelines, 2015. Collection method: clinical testing. Allele origin: germline.